The following is an entry in ClinVar:

ClinVar aggregate classification (germline): Uncertain significance. Review status: criteria provided, multiple submitters, no conflicts (2 of 4 stars). 3 submissions from 3 submitters: Uncertain significance (2). 1 of the submissions does not count toward it. Last evaluated 2024-04-01.

Conditions:
Glycine encephalopathy. Also called: Non-ketotic hyperglycinemia; Nonketotic hyperglycinemia. Identifiers: Orphanet 407, MedGen C0751748, MONDO:0011612, HP:0008288.

Submissions (3):

Women's Health and Genetics/Laboratory Corporation of America, LabCorp
Classification: Uncertain significance. Last evaluated: 2024-04-01. Review status: criteria provided, single submitter. Criteria: LabCorp Variant Classification Summary - May 2015. Collection method: clinical testing. Allele origin: germline.

Labcorp Genetics (formerly Invitae), Labcorp
Classification: Uncertain significance for Glycine encephalopathy. Last evaluated: 2022-12-02. Review status: criteria provided, single submitter. Criteria: Invitae Variant Classification Sherloc (09022015). Collection method: clinical testing. Allele origin: germline.
Comment: This sequence change replaces arginine, which is basic and polar, with leucine, which is neutral and non-polar, at codon 320 of the AMT protein (p.Arg320Leu). This variant is present in population databases (no rsID available, gnomAD 0.006%). In summary, the available evidence is currently insufficient to determine the role of this variant in disease. Therefore, it has been classified as a Variant of Uncertain Significance. This variant disrupts the p.Arg320 amino acid residue in AMT. Other variant(s) that disrupt this residue have been determined to be pathogenic (PMID: 8005589, 10873393, 12948742, 23352163). This suggests that this residue is clinically significant, and that variants that disrupt this residue are likely to be disease-causing. Algorithms developed to predict the effect of missense changes on protein structure and function (SIFT, PolyPhen-2, Align-GVGD) all suggest that this variant is likely to be disruptive. ClinVar contains an entry for this variant (Variation ID: 1013693). This variant has not been reported in the literature in individuals affected with AMT-related conditions.

Natera, Inc.
Classification: Uncertain significance for Non-ketotic hyperglycinemia. Last evaluated: 2021-04-15. Review status: no assertion criteria provided. Collection method: clinical testing. Allele origin: germline. Not counted in ClinVar's aggregate classification.

Literature cited by the submitters: PubMed 8005589 (cited by Labcorp Genetics (formerly Invitae), Labcorp); PubMed 10873393 (cited by Labcorp Genetics (formerly Invitae), Labcorp); PubMed 12948742 (cited by Labcorp Genetics (formerly Invitae), Labcorp); PubMed 23352163 (cited by Labcorp Genetics (formerly Invitae), Labcorp).

NM_000481.4(AMT):c.959G>T (p.Arg320Leu)

Gene: AMT (aminomethyltransferase; minus strand). Cytogenetic location: 3p21.31.
Variant type: single nucleotide variant.
Coding change: c.959G>T on transcript NM_000481.4 (MANE Select); coding-DNA position 959, G replaced by T.
Protein change: p.Arg320Leu; replaces arginine 320 with leucine.
Molecular consequence: missense variant. On other transcripts: non-coding transcript variant (1).
Genome position (GRCh38, 1-based): chr3:49,417,892, C>A on the plus strand (G>T on the coding strand, the complement: AMT is on the minus strand). VCF-style: chr3-49417892-C-A. GRCh37 (hg19) VCF-style: chr3-49455325-C-A.
Other names: c.827G>T, p.Arg276Leu (NM_001164710.2); c.791G>T, p.Arg264Leu (NM_001164711.2); c.959G>T, p.Arg320Leu (NM_001164712.2); short protein forms R264L, R276L, R320L.
Identifiers: ClinVar variation 1013693 (VCV001013693.7), dbSNP rs121964985, ClinGen allele CA352789477.
Genomic context (GRCh38, chr3:49,417,892, plus strand): 5'-TCCATGTTCAGGATGGGACTGTGTGCCCGCATGGGGGCCCCCTCACACATCAACCCCACA[C>A]GCCTCCGCTGCACCCTGCCCTTCAGCTGGGGAACAATGACCTTGGCTCCAGGGAAGTCCA-3'
Protein context (NP_000472.2, residues 310-330): PQLKGRVQRR[Arg320Leu]VGLMCEGAPM